The following is an entry in ClinVar:

ClinVar aggregate classification (germline): Uncertain significance (1 of 4 stars; one submission).

Conditions:
Ullrich congenital muscular dystrophy 2 (UCMD2). Identifiers: Orphanet 75840, MedGen C4225314, MONDO:0014654, OMIM 616470.
Bethlem myopathy 2 (BTHLM2). Identifiers: Orphanet 536516, Orphanet 610, MedGen C4225313, MONDO:0034022, OMIM 616471.

Submission:

Labcorp Genetics (formerly Invitae), Labcorp
Classification: Uncertain significance for Bethlem myopathy 2; Ullrich congenital muscular dystrophy 2. Last evaluated: 2022-07-19. Review status: criteria provided, single submitter. Criteria: Invitae Variant Classification Sherloc (09022015). Collection method: clinical testing. Allele origin: germline.
Comment: In summary, the available evidence is currently insufficient to determine the role of this variant in disease. Therefore, it has been classified as a Variant of Uncertain Significance. Algorithms developed to predict the effect of missense changes on protein structure and function (SIFT, PolyPhen-2, Align-GVGD) all suggest that this variant is likely to be tolerated. ClinVar contains an entry for this variant (Variation ID: 1059944). This variant has not been reported in the literature in individuals affected with COL12A1-related conditions. This variant is not present in population databases (gnomAD no frequency). This sequence change replaces glutamic acid, which is acidic and polar, with lysine, which is basic and polar, at codon 2300 of the COL12A1 protein (p.Glu2300Lys).

NM_004370.6(COL12A1):c.6898G>A (p.Glu2300Lys)

Gene: COL12A1 (collagen type XII alpha 1 chain; minus strand). Cytogenetic location: 6q13.
Variant type: single nucleotide variant.
Coding change: c.6898G>A on transcript NM_004370.6 (MANE Select); coding-DNA position 6898, G replaced by A.
Protein change: p.Glu2300Lys; replaces glutamic acid 2300 with lysine.
Molecular consequence: missense variant.
Genome position (GRCh38, 1-based): chr6:75,123,378, C>T on the plus strand (G>A on the coding strand, the complement: COL12A1 is on the minus strand). VCF-style: chr6-75123378-C-T. GRCh37 (hg19) VCF-style: chr6-75833094-C-T.
Other names: c.3406G>A, p.Glu1136Lys (NM_080645.3); short protein forms E1136K, E2300K.
Identifiers: ClinVar variation 1059944 (VCV001059944.9), dbSNP rs2149372645, ClinGen allele CA364728144.